The following is an entry in ClinVar:

NM_021831.6(AGBL5):c.1951A>G (p.Ser651Gly)

Gene: AGBL5 (AGBL carboxypeptidase 5; plus strand). Cytogenetic location: 2p23.3.
Variant type: single nucleotide variant.
Coding change: c.1951A>G on transcript NM_021831.6 (MANE Select); coding-DNA position 1951, A replaced by G.
Protein change: p.Ser651Gly; replaces serine 651 with glycine.
Molecular consequence: missense variant. On other transcripts: non-coding transcript variant (2).
Genome position (GRCh38, 1-based): chr2:27,059,266, A>G. VCF-style: chr2-27059266-A-G. GRCh37 (hg19) VCF-style: chr2-27282134-A-G.
Other names: c.1951A>G, p.Ser651Gly (NM_001035507.3); short protein forms S651G.
Identifiers: ClinVar variation 1505112 (VCV001505112.6), dbSNP rs1668589202, ClinGen allele CA346187576.

ClinVar aggregate classification (germline): Uncertain significance (1 of 4 stars; one submission).

Allele frequency attached by ClinVar (database versions not stated): gnomAD exomes below 0.00001; gnomAD 0.00001.
gnomAD v4.1: 4 of 1,614,022 alleles (0.00025%); highest among the groups gnomAD compares: African/African-American, 0.0027%; no homozygotes.

Submission:

Labcorp Genetics (formerly Invitae), Labcorp
Classification: Uncertain significance. Last evaluated: 2024-02-26. Review status: criteria provided, single submitter. Criteria: Invitae Variant Classification Sherloc (09022015). Collection method: clinical testing. Allele origin: germline.
Comment: This sequence change replaces serine, which is neutral and polar, with glycine, which is neutral and non-polar, at codon 651 of the AGBL5 protein (p.Ser651Gly). This variant is not present in population databases (gnomAD no frequency). This variant has not been reported in the literature in individuals affected with AGBL5-related conditions. ClinVar contains an entry for this variant (Variation ID: 1505112). An algorithm developed to predict the effect of missense changes on protein structure and function (PolyPhen-2) suggests that this variant is likely to be tolerated. In summary, the available evidence is currently insufficient to determine the role of this variant in disease. Therefore, it has been classified as a Variant of Uncertain Significance.